The following is an entry in ClinVar:

ClinVar aggregate classification (germline): Pathogenic (1 of 4 stars; one submission).

Conditions:
Charcot-Marie-Tooth disease type 2. Also called: Charcot-Marie-Tooth type 2. Identifiers: Orphanet 64746, MedGen C0270914, MONDO:0018993.

Submission:

Labcorp Genetics (formerly Invitae), Labcorp
Classification: Pathogenic for Charcot-Marie-Tooth disease type 2. Last evaluated: 2024-04-18. Review status: criteria provided, single submitter. Criteria: Invitae Variant Classification Sherloc (09022015). Collection method: clinical testing. Allele origin: germline.
Comment: This sequence change creates a premature translational stop signal (p.Ser726*) in the MFN2 gene. While this is not anticipated to result in nonsense mediated decay, it is expected to disrupt the last 32 amino acid(s) of the MFN2 protein. This variant is not present in population databases (gnomAD no frequency). This variant has not been reported in the literature in individuals affected with MFN2-related conditions. ClinVar contains an entry for this variant (Variation ID: 933991). This variant disrupts a region of the MFN2 protein in which other variant(s) (p.Gln751*) have been determined to be pathogenic (PMID: 16714318). This suggests that this is a clinically significant region of the protein, and that variants that disrupt it are likely to be disease-causing. For these reasons, this variant has been classified as Pathogenic.

Literature cited by the submitters: PubMed 16714318.

NM_014874.4(MFN2):c.2177C>G (p.Ser726Ter)

Gene: MFN2 (mitofusin 2; plus strand). Cytogenetic location: 1p36.22.
Variant type: single nucleotide variant.
Coding change: c.2177C>G on transcript NM_014874.4 (MANE Select); coding-DNA position 2177, C replaced by G.
Protein change: p.Ser726Ter; replaces serine 726 with a stop codon.
Molecular consequence: nonsense.
Genome position (GRCh38, 1-based): chr1:12,009,699, C>G. VCF-style: chr1-12009699-C-G. GRCh37 (hg19) VCF-style: chr1-12069756-C-G.
Other names: c.2177C>G, p.Ser726Ter (NM_001127660.2); short protein forms S726*.
Identifiers: ClinVar variation 933991 (VCV000933991.9), dbSNP rs1317009723, ClinGen allele CA338453325.